The following is an entry in ClinVar:

ClinVar aggregate classification (germline): Conflicting classifications of pathogenicity. Review status: criteria provided, conflicting classifications (1 of 4 stars). 4 submissions from 4 submitters: Uncertain significance (1); Benign (2). 1 of the submissions does not count toward it. Last evaluated 2025-11-25.

Conditions:
TRPM1-related disorder. Also called: TRPM1-related condition.
Congenital stationary night blindness 1C. Also called: Night blindness, congenital stationary (complete), 1C, autosomal recessive. Identifiers: Orphanet 215, MedGen C2750747, MONDO:0013183, OMIM 613216.

Allele frequency attached by ClinVar (database versions not stated): gnomAD 0.00027; TOPMed 0.00028; ESP Exome Variant Server 0.00034.
gnomAD v4.1: 399 of 1,613,954 alleles (0.025%); highest among the groups gnomAD compares: African/African-American, 0.011%; 2 homozygotes.

Submissions (4):

Labcorp Genetics (formerly Invitae), Labcorp
Classification: Benign. Last evaluated: 2025-11-25. Review status: criteria provided, single submitter. Criteria: Invitae Variant Classification Sherloc (09022015). Collection method: clinical testing. Allele origin: germline.

Blueprint Genetics
Classification: Benign. Last evaluated: 2024-11-12. Review status: criteria provided, single submitter. Criteria: ACMG Guidelines, 2015. Collection method: clinical testing. Allele origin: germline.

Illumina Laboratory Services, Illumina
Classification: Uncertain significance for Congenital stationary night blindness 1C. Last evaluated: 2018-01-13. Review status: criteria provided, single submitter. Criteria: ICSL Variant Classification Criteria 13 December 2019. Collection method: clinical testing. Allele origin: germline.

PreventionGenetics, part of Exact Sciences
Classification: Likely benign for TRPM1-related condition. Last evaluated: 2019-06-24. Review status: no assertion criteria provided. Collection method: clinical testing. Allele origin: germline. Not counted in ClinVar's aggregate classification.
Comment: This variant is classified as likely benign based on ACMG/AMP sequence variant interpretation guidelines (Richards et al. 2015 PMID: 25741868, with internal and published modifications).

NM_001252024.2(TRPM1):c.1089C>T (p.Leu363=)

Gene: TRPM1 (transient receptor potential cation channel subfamily M member 1; minus strand). Cytogenetic location: 15q13.3.
Variant type: single nucleotide variant.
Coding change: c.1089C>T on transcript NM_001252024.2 (MANE Select); coding-DNA position 1089, C replaced by T.
Protein change: p.Leu363=; no amino-acid change (leucine 363 retained).
Molecular consequence: synonymous variant.
Genome position (GRCh38, 1-based): chr15:31,062,579, G>A on the plus strand (C>T on the coding strand, the complement: TRPM1 is on the minus strand). VCF-style: chr15-31062579-G-A. GRCh37 (hg19) VCF-style: chr15-31354782-G-A.
Other names: c.1140C>T, p.Leu380= (NM_001252020.2); c.1023C>T, p.Leu341= (NM_002420.6); c.1140C>T (NM_001252020.1).
Identifiers: ClinVar variation 885359 (VCV000885359.14), dbSNP rs202130526, ClinGen allele CA7452707.
Genomic context (GRCh38, chr15:31,062,579, plus strand): 5'-AGAAAAGGAAACATAATTCTCTCCACAGAGCTTGTTTGGAAATAAATTCAAGACACTTAC[G>A]AGTTCTTTCTTCTTCATGCACTCCATTATAATTGCAAACAGCTGATGTGATTGTGCCTTA-3'
Protein context (NP_001238953.1, residues 353-373): IIMECMKKKE[Leu363=]VTVFRMGSEG